The following is an entry in ClinVar:

ClinVar aggregate classification (germline): Pathogenic (1 of 4 stars; one submission).

Conditions:
Neurofibromatosis, type 1 (NF1). Also called: VON RECKLINGHAUSEN DISEASE; NEUROFIBROMATOSIS, TYPE I, SOMATIC; Peripheral type neurofibromatosis; Neurofibromatosis, type I. Identifiers: Orphanet 636, MedGen C0027831, MONDO:0018975, OMIM 162200. Disease mechanism: loss of function.

Submission:

Labcorp Genetics (formerly Invitae), Labcorp
Classification: Pathogenic for Neurofibromatosis, type 1. Last evaluated: 2024-08-27. Review status: criteria provided, single submitter. Criteria: Invitae Variant Classification Sherloc (09022015). Collection method: clinical testing. Allele origin: germline.
Comment: This sequence change creates a premature translational stop signal (p.Pro890Asnfs*9) in the NF1 gene. It is expected to result in an absent or disrupted protein product. Loss-of-function variants in NF1 are known to be pathogenic (PMID: 10712197, 23913538). This variant is not present in population databases (gnomAD no frequency). This variant has not been reported in the literature in individuals affected with NF1-related conditions. ClinVar contains an entry for this variant (Variation ID: 527452). For these reasons, this variant has been classified as Pathogenic.

Literature cited by the submitters: PubMed 10712197; PubMed 23913538.

NM_001042492.3(NF1):c.2668_2677del (p.Pro890fs)

Gene: NF1 (neurofibromin 1; plus strand). Cytogenetic location: 17q11.2.
Variant type: Deletion.
Coding change: c.2668_2677del on transcript NM_001042492.3 (MANE Select); coding-DNA positions 2668 to 2677, 10 bases deleted (CCTGTCAGCA; older notation c.2668_2677delCCTGTCAGCA).
Protein change: p.Pro890fs; shifts the reading frame from proline 890.
Molecular consequence: frameshift variant.
Genome position (GRCh38, 1-based): chr17:31,229,283-31,229,292, CCTGTCAGCA deleted; deleting any 10 consecutive bases within chr17:31,229,281-31,229,292 gives the same sequence; the c. name uses the placement nearest the transcript's 3' end. VCF-style (leftmost placement, unchanged base first): chr17-31229280-ACACCTGTCAG-A. GRCh37 (hg19) VCF-style: chr17-29556298-ACACCTGTCAG-A.
Other names: c.2668_2677delCCTGTCAGCA (NM_000267.3); c.2668_2677delCCTGTCAGCA, p.Pro890Asnfs (NM_000267.4); short protein forms P890fs.
Identifiers: ClinVar variation 527452 (VCV000527452.5), dbSNP rs1555614293, ClinGen allele CA658798750.